The following is an entry in ClinVar:

NM_002016.2(FLG):c.9883A>C (p.Arg3295=)

Genes: CCDST (cervical cancer associated DHX9 suppressive transcript; plus strand), FLG (filaggrin; minus strand). Cytogenetic location: 1q21.3.
Variant type: single nucleotide variant.
Coding change: c.9883A>C on transcript NM_002016.2 (MANE Select); coding-DNA position 9883, A replaced by C.
Protein change: p.Arg3295=; no amino-acid change (arginine 3295 retained).
Molecular consequence: synonymous variant.
Genome position (GRCh38, 1-based): chr1:152,305,003, T>G on the plus strand (A>C on the coding strand, the complement: FLG is on the minus strand). VCF-style: chr1-152305003-T-G. GRCh37 (hg19) VCF-style: chr1-152277479-T-G.
Identifiers: ClinVar variation 2639242 (VCV002639242.24), dbSNP rs765010019, ClinGen allele CA1103635.

ClinVar aggregate classification (germline): Likely benign (1 of 4 stars; one submission).

Allele frequency attached by ClinVar (database versions not stated): gnomAD 0.00001; ExAC 0.00002.
gnomAD v4.1: 4 of 1,613,698 alleles (0.00025%); highest among the groups gnomAD compares: East Asian, 0.0089%; no homozygotes.

Submission:

CeGaT Center for Human Genetics Tuebingen
Classification: Likely benign. Last evaluated: 2022-07-01. Review status: criteria provided, single submitter. Criteria: CeGaT Center For Human Genetics Tuebingen Variant Classification Criteria Version 2. Collection method: clinical testing. Allele origin: germline. Affected: yes. Observed: 1 variant allele.
Comment: FLG: BP4, BP7